The following is an entry in ClinVar:

ClinVar aggregate classification (germline): Uncertain significance. Review status: criteria provided, multiple submitters, no conflicts (2 of 4 stars). 2 submissions from 2 submitters: Uncertain significance (2). Last evaluated 2026-05-01.

Conditions:
Hereditary cancer-predisposing syndrome. Also called: Tumor predisposition; Hereditary neoplastic syndrome; Neoplastic Syndromes, Hereditary; Hereditary Cancer Syndrome. Identifiers: Orphanet 140162, MedGen C0027672, MeSH D009386, MONDO:0015356.
Cardiovascular phenotype. Identifiers: MedGen CN230736.

gnomAD v4.1: 1 of 1,614,006 alleles (0.000062%); highest among the groups gnomAD compares: Non-Finnish European, 0.000085%; no homozygotes.

Submissions (2):

Ambry Genetics
Classification: Uncertain significance for Cardiovascular phenotype; Hereditary cancer-predisposing syndrome. Last evaluated: 2026-05-01. Review status: criteria provided, single submitter. Criteria: Ambry Variant Classification Scheme 2023. Collection method: clinical testing. Allele origin: germline.
Comment: The p.G2001V variant (also known as c.6002G>T), located in coding exon 40 of the NF1 gene, results from a G to T substitution at nucleotide position 6002. The glycine at codon 2001 is replaced by valine, an amino acid with dissimilar properties. This amino acid position is highly conserved in available vertebrate species. In addition, this alteration is predicted to be deleterious by in silico analysis. Based on the available evidence, the clinical significance of this variant remains unclear.

GeneDx
Classification: Uncertain significance. Last evaluated: 2024-12-21. Review status: criteria provided, single submitter. Criteria: GeneDx Variant Classification Process June 2021. Collection method: clinical testing. Allele origin: germline. Affected: yes.
Comment: Not observed at significant frequency in large population cohorts (gnomAD); In silico analysis supports that this missense variant has a deleterious effect on protein structure/function; Has not been previously published as pathogenic or benign to our knowledge

NM_001042492.3(NF1):c.6065G>T (p.Gly2022Val)

Gene: NF1 (neurofibromin 1; plus strand). Cytogenetic location: 17q11.2.
Variant type: single nucleotide variant.
Coding change: c.6065G>T on transcript NM_001042492.3 (MANE Select); coding-DNA position 6065, G replaced by T.
Protein change: p.Gly2022Val; replaces glycine 2022 with valine.
Molecular consequence: missense variant.
Genome position (GRCh38, 1-based): chr17:31,336,391, G>T. VCF-style: chr17-31336391-G-T. GRCh37 (hg19) VCF-style: chr17-29663409-G-T.
Other names: c.6002G>T, p.Gly2001Val (NM_000267.4); short protein forms G2001V, G2022V.
Identifiers: ClinVar variation 484151 (VCV000484151.6), dbSNP rs1555534606, ClinGen allele CA399011180.